The following is an entry in ClinVar:

ClinVar aggregate classification (germline): Uncertain significance. Review status: criteria provided, multiple submitters, no conflicts (2 of 4 stars). 4 submissions from 4 submitters: Uncertain significance (4). Last evaluated 2024-08-01.

Conditions:
Autoinflammatory syndrome. Identifiers: Orphanet 93665, MedGen C3890737, MONDO:0019751.
Inborn genetic diseases. Identifiers: MedGen C0950123, MeSH D030342.
Majeed syndrome (MJDS). Also called: LPIN2-Related Majeed Syndrome; CHRONIC RECURRENT MULTIFOCAL OSTEOMYELITIS 1, WITH CONGENITAL DYSERYTHROPOIETIC ANEMIA, WITH OR WITHOUT NEUTROPHILIC DERMATOSIS. Identifiers: Orphanet 77297, MedGen C1864997, MONDO:0012316, OMIM 609628.

Allele frequency attached by ClinVar (database versions not stated): gnomAD 0.00001; gnomAD exomes 0.00001 and 0.00003; ExAC 0.00003; TOPMed 0.00005; ESP Exome Variant Server 0.00015; 1000 Genomes Project 30x 0.00016; 1000 Genomes Project 0.00020.
gnomAD v4.1: 23 of 1,613,794 alleles (0.0014%); highest among the groups gnomAD compares: Middle Eastern, 0.016%; no homozygotes.

Submissions (4):

Ambry Genetics
Classification: Uncertain significance for Inborn genetic diseases. Last evaluated: 2024-08-01. Review status: criteria provided, single submitter. Criteria: Ambry Variant Classification Scheme 2023. Collection method: clinical testing. Allele origin: germline.

Labcorp Genetics (formerly Invitae), Labcorp
Classification: Uncertain significance for Majeed syndrome. Last evaluated: 2022-08-21. Review status: criteria provided, single submitter. Criteria: Invitae Variant Classification Sherloc (09022015). Collection method: clinical testing. Allele origin: germline.
Comment: This sequence change replaces serine, which is neutral and polar, with threonine, which is neutral and polar, at codon 574 of the LPIN2 protein (p.Ser574Thr). This variant is present in population databases (rs148779863, gnomAD 0.009%). This variant has not been reported in the literature in individuals affected with LPIN2-related conditions. ClinVar contains an entry for this variant (Variation ID: 373803). Algorithms developed to predict the effect of missense changes on protein structure and function output the following: SIFT: "Tolerated"; PolyPhen-2: "Benign"; Align-GVGD: "Class C0". The threonine amino acid residue is found in multiple mammalian species, which suggests that this missense change does not adversely affect protein function. In summary, the available evidence is currently insufficient to determine the role of this variant in disease. Therefore, it has been classified as a Variant of Uncertain Significance.

Genome Diagnostics Laboratory, The Hospital for Sick Children
Classification: Uncertain significance for Autoinflammatory syndrome. Last evaluated: 2021-04-30. Review status: criteria provided, single submitter. Criteria: ACMG Guidelines, 2015. Collection method: clinical testing. Allele origin: germline. Affected: yes.

GeneDx
Classification: Uncertain significance. Last evaluated: 2016-12-13. Review status: criteria provided, single submitter. Criteria: GeneDx Variant Classification (06012015). Collection method: clinical testing. Allele origin: germline. Affected: yes.
Comment: The S574T variant has not been published as a pathogenic variant, nor has it been reported as a benign variant to our knowledge. The variant was not observed at any significant frequency in approximately 6,500 individuals of European and African American ancestry in the NHLBI Exome Sequencing Project, indicating it is not a common benign variant in these populations. However, S574T is a conservative amino acid substitution, which is not likely to impact secondary protein structure as these residues share similar properties. This substitution occurs at a position that is not conserved, and in silico analysis predicts this variant likely does not alter the protein structure/function. Therefore, based on the currently available information, it is unclear whether this variant is a pathogenic variant or a rare benign variant.

NM_001375808.2(LPIN2):c.1720T>A (p.Ser574Thr)

Gene: LPIN2 (lipin 2; minus strand). Cytogenetic location: 18p11.31.
Variant type: single nucleotide variant.
Coding change: c.1720T>A on transcript NM_001375808.2 (MANE Select); coding-DNA position 1720, T replaced by A.
Protein change: p.Ser574Thr; replaces serine 574 with threonine.
Molecular consequence: missense variant.
Genome position (GRCh38, 1-based): chr18:2,926,796, A>T on the plus strand (T>A on the coding strand, the complement: LPIN2 is on the minus strand). VCF-style: chr18-2926796-A-T. GRCh37 (hg19) VCF-style: chr18-2926794-A-T.
Other names: c.1720T>A, p.Ser574Thr (NM_001375809.1, NM_014646.2); short protein forms S574T.
Identifiers: ClinVar variation 373803 (VCV000373803.9), dbSNP rs148779863, ClinGen allele CA8872984.